The following is an entry in ClinVar:

ClinVar aggregate classification (germline): Uncertain significance. Review status: criteria provided, multiple submitters, no conflicts (2 of 4 stars). 3 submissions from 3 submitters: Uncertain significance (3). Last evaluated 2025-01-23.

Conditions:
Inborn genetic diseases. Identifiers: MedGen C0950123, MeSH D030342.

Allele frequency attached by ClinVar (database versions not stated): gnomAD exomes 0.00001; gnomAD 0.00002; TOPMed 0.00003; ExAC 0.00004.

Submissions (3):

Labcorp Genetics (formerly Invitae), Labcorp
Classification: Uncertain significance. Last evaluated: 2025-01-23. Review status: criteria provided, single submitter. Criteria: Invitae Variant Classification Sherloc (09022015). Collection method: clinical testing. Allele origin: germline.
Comment: This sequence change replaces serine, which is neutral and polar, with asparagine, which is neutral and polar, at codon 82 of the TNFRSF9 protein (p.Ser82Asn). This variant is present in population databases (rs763838333, gnomAD 0.04%). This variant has not been reported in the literature in individuals affected with TNFRSF9-related conditions. ClinVar contains an entry for this variant (Variation ID: 3180312). An algorithm developed to predict the effect of missense changes on protein structure and function (PolyPhen-2) suggests that this variant is likely to be disruptive. In summary, the available evidence is currently insufficient to determine the role of this variant in disease. Therefore, it has been classified as a Variant of Uncertain Significance.

Ambry Genetics
Classification: Uncertain significance for Inborn genetic diseases. Last evaluated: 2023-12-17. Review status: criteria provided, single submitter. Criteria: Ambry Variant Classification Scheme 2023. Collection method: clinical testing. Allele origin: germline.

Blueprint Genetics
Classification: Uncertain significance. Last evaluated: 2021-09-18. Review status: criteria provided, single submitter. Criteria: ACMG Guidelines, 2015. Collection method: clinical testing. Allele origin: germline.

NM_001561.6(TNFRSF9):c.245G>A (p.Ser82Asn)

Gene: TNFRSF9 (TNF receptor superfamily member 9; minus strand). Cytogenetic location: 1p36.23.
Variant type: single nucleotide variant.
Coding change: c.245G>A on transcript NM_001561.6 (MANE Select); coding-DNA position 245, G replaced by A.
Protein change: p.Ser82Asn; replaces serine 82 with asparagine.
Molecular consequence: missense variant.
Genome position (GRCh38, 1-based): chr1:7,938,294, C>T on the plus strand (G>A on the coding strand, the complement: TNFRSF9 is on the minus strand). VCF-style: chr1-7938294-C-T. GRCh37 (hg19) VCF-style: chr1-7998354-C-T.
Other names: short protein forms S82N.
Identifiers: ClinVar variation 3180312 (VCV003180312.4), dbSNP rs763838333, ClinGen allele CA569296.
Genomic context (GRCh38, chr1:7,938,294, plus strand): 5'-CACATGCTGCATCCTGCCCCCAGGCAGTGAAACCCTGGAGTGCAGTCACACTCTGCATTG[C>T]TGGTGGAGGAACACTCCTTCCTGGTCCTGAAAACACCTACAAAGTCCCCCCAGCCCCCAA-3'
Protein context (NP_001552.2, residues 72-92): FRTRKECSST[Ser82Asn]NAECDCTPGF